The following is an entry in ClinVar:

ClinVar aggregate classification (germline): Uncertain significance (1 of 4 stars; one submission).

Submission:

Ambry Genetics
Classification: Uncertain significance. Last evaluated: 2024-10-05. Review status: criteria provided, single submitter. Criteria: Ambry Variant Classification Scheme 2023. Collection method: clinical testing. Allele origin: germline.
Comment: The p.D640N variant (also known as c.1918G>A), located in coding exon 2 of the CDK12 gene, results from a G to A substitution at nucleotide position 1918. The aspartic acid at codon 640 is replaced by asparagine, an amino acid with highly similar properties. This amino acid position is conserved. In addition, this alteration is predicted to be tolerated by in silico analysis. Based on the available evidence, the clinical significance of this variant remains unclear.

NM_016507.4(CDK12):c.1918G>A (p.Asp640Asn)

Gene: CDK12 (cyclin dependent kinase 12; plus strand). Cytogenetic location: 17q12.
Variant type: single nucleotide variant.
Coding change: c.1918G>A on transcript NM_016507.4 (MANE Select); coding-DNA position 1918, G replaced by A.
Protein change: p.Asp640Asn; replaces aspartic acid 640 with asparagine.
Molecular consequence: missense variant.
Genome position (GRCh38, 1-based): chr17:39,471,750, G>A. VCF-style: chr17-39471750-G-A. GRCh37 (hg19) VCF-style: chr17-37628003-G-A.
Other names: c.1918G>A, p.Asp640Asn (NM_015083.4); short protein forms D640N.
Identifiers: ClinVar variation 3489172 (VCV003489172.1).
Genomic context (GRCh38, chr17:39,471,750, plus strand): 5'-CCACACCTGAAAACTTCAACGTTGCCTCCTTTGCCCCTCCCACCCTTATTACCTGGAGAT[G>A]ATGACATGGATAGGTAAGTCCTATAGTGAACTGGAAAAAACCCCCTTGATCTAAACATAA-3'
Protein context (NP_057591.2, residues 630-650): LPLPPLLPGD[Asp640Asn]DMDSPKETLP